The following is an entry in ClinVar:

ClinVar aggregate classification (germline): Likely pathogenic (1 of 4 stars; one submission).

Conditions:
Autosomal recessive nonsyndromic hearing loss 21. Identifiers: Orphanet 90636, MedGen C1863655, MONDO:0011351, OMIM 603629.
Autosomal dominant nonsyndromic hearing loss 12. Also called: DEAFNESS, AUTOSOMAL DOMINANT 8. Identifiers: Orphanet 90635, MedGen C1832187, MONDO:0011102, OMIM 601543.

Submission:

Juno Genomics, Hangzhou Juno Genomics, Inc
Classification: Likely pathogenic for Autosomal dominant nonsyndromic hearing loss 12; Autosomal recessive nonsyndromic hearing loss 21. Review status: criteria provided, single submitter. Criteria: ACMG Guidelines, 2015. Collection method: clinical testing. Allele origin: germline.
Comment: Null variant in a gene where loss of function (LOF) is a known mechanism of disease.;Absent from controls (or at extremely low frequency if recessive) in Genome Aggregation Database.

NM_005422.4(TECTA):c.3743del (p.Pro1248fs)

Genes: TBCEL-TECTA (TBCEL-TECTA readthrough; plus strand), TECTA (tectorin alpha; plus strand). Cytogenetic location: 11q23.3.
Variant type: Deletion.
Coding change: c.3743del on transcript NM_005422.4 (MANE Select); coding-DNA position 3743, one base deleted (C; older notation c.3743delC).
Protein change: p.Pro1248fs; shifts the reading frame from proline 1248.
Molecular consequence: frameshift variant.
Genome position (GRCh38, 1-based): chr11:121,145,754, C deleted; the last of 3 consecutive C bases (chr11:121,145,752-121,145,754); deleting any one gives the same sequence. VCF-style (leftmost placement, unchanged base first): chr11-121145751-AC-A. GRCh37 (hg19) VCF-style: chr11-121016460-AC-A.
Other names: c.4700del, p.Pro1567fs (NM_001378761.1); short protein forms P1248fs, P1567fs.
Identifiers: ClinVar variation 5007805 (VCV005007805.2).